The following is an entry in ClinVar:

NM_004960.4(FUS):c.1142A>G (p.Asn381Ser)

Gene: FUS (FUS RNA binding protein; plus strand). Cytogenetic location: 16p11.2.
Variant type: single nucleotide variant.
Coding change: c.1142A>G on transcript NM_004960.4 (MANE Select); coding-DNA position 1142, A replaced by G.
Protein change: p.Asn381Ser; replaces asparagine 381 with serine.
Molecular consequence: missense variant. On other transcripts: non-coding transcript variant (1).
Genome position (GRCh38, 1-based): chr16:31,190,115, A>G. VCF-style: chr16-31190115-A-G. GRCh37 (hg19) VCF-style: chr16-31201436-A-G.
Other names: c.1139A>G, p.Asn380Ser (NM_001170634.1); c.1130A>G, p.Asn377Ser (NM_001170937.1); short protein forms N381S, N380S, N377S.
Identifiers: ClinVar variation 423639 (VCV000423639.2), dbSNP rs1064796544, ClinGen allele CA16620192.

ClinVar aggregate classification (germline): Uncertain significance (1 of 4 stars; one submission).

Allele frequency attached by ClinVar (database versions not stated): gnomAD exomes below 0.00001; TOPMed below 0.00001.
gnomAD v4.1: 5 of 1,614,074 alleles (0.00031%); highest among the groups gnomAD compares: South Asian, 0.0011%; no homozygotes.

Submission:

GeneDx
Classification: Uncertain significance. Last evaluated: 2017-02-22. Review status: criteria provided, single submitter. Criteria: GeneDx Variant Classification (06012015). Collection method: clinical testing. Allele origin: germline. Affected: yes.
Comment: The N381S variant in the FUS gene has not been reported previously as a pathogenic variant, nor as a benign variant, to our knowledge. This variant is not observed in large population cohorts (Lek et al., 2016; 1000 Genomes Consortium et al., 2015; Exome Variant Server). The N381S variant is a conservative amino acid substitution, which is not likely to impact secondary protein structure as these residues share similar properties, and occurs at a position that is not conserved. In silico analysis is inconsistent in its predictions as to whether or not the variant is damaging to the protein structure/function. We interpret N381S as a variant of uncertain significance.